The following is an entry in ClinVar:

ClinVar aggregate classification (germline): Pathogenic (1 of 4 stars; one submission).

Conditions:
WT1-related disorder. Also called: WT1-related disorders. Identifiers: MedGen CN377814.

Submission:

PreventionGenetics, part of Exact Sciences
Classification: Pathogenic for WT1-related condition. Last evaluated: 2023-09-21. Review status: criteria provided, single submitter. Criteria: ACMG Guidelines, 2015. Collection method: clinical testing. Allele origin: germline.
Comment: The WT1 c.366delC variant is predicted to result in a frameshift and premature protein termination (p.Ala123Argfs*35). To our knowledge, this variant has not been reported in the literature or in a large population database, indicating this variant is rare. Frameshift variants in WT1 are expected to be pathogenic. This variant is interpreted as pathogenic.

NM_024426.6(WT1):c.381del (p.Ala128fs)

Genes: WT1 (WT1 transcription factor; minus strand), LOC107982234 (WT1/WT1-AS bi-directional promoter region; plus strand). Cytogenetic location: 11p13.
Variant type: Deletion.
Coding change: c.381del on transcript NM_024426.6 (MANE Select); coding-DNA position 381, one base deleted (C; older notation c.381delC).
Protein change: p.Ala128fs; shifts the reading frame from alanine 128.
Molecular consequence: frameshift variant. On other transcripts: non-coding transcript variant (2).
Genome position (GRCh38, 1-based): chr11:32,434,980, G deleted on the plus strand (C on the coding strand, the reverse complement: WT1 is on the minus strand); the first of 4 consecutive G bases (chr11:32,434,980-32,434,983); deleting any one gives the same sequence. VCF-style (leftmost placement, unchanged base first): chr11-32434979-CG-C. GRCh37 (hg19) VCF-style: chr11-32456525-CG-C.
Other names: c.381del, p.Ala128fs (NM_000378.6, NM_001407044.1, NM_001407045.1 and 6 more transcripts); c.363delC, p.Ala123Argfs (NM_024425.2); short protein forms A128fs.
Identifiers: ClinVar variation 2630893 (VCV002630893.1), dbSNP rs2494481609, ClinGen allele CA2695201112.